The following is an entry in ClinVar:

NM_004448.4(ERBB2):c.1943C>T (p.Ala648Val)

Gene: ERBB2 (erb-b2 receptor tyrosine kinase 2; plus strand). Cytogenetic location: 17q12.
Variant type: single nucleotide variant.
Coding change: c.1943C>T on transcript NM_004448.4 (MANE Select); coding-DNA position 1943, C replaced by T.
Protein change: p.Ala648Val; replaces alanine 648 with valine.
Molecular consequence: missense variant. On other transcripts: non-coding transcript variant (1), intron variant (3).
Genome position (GRCh38, 1-based): chr17:39,719,831, C>T. VCF-style: chr17-39719831-C-T. GRCh37 (hg19) VCF-style: chr17-37876084-C-T.
Other names: c.1853C>T, p.Ala618Val (NM_001005862.3, NM_001382782.1, NM_001382783.1); c.1898C>T, p.Ala633Val (NM_001289936.2); c.1943C>T, p.Ala648Val (NM_001289937.2, NM_001382792.1, NM_001382793.1 and 7 more transcripts); c.2060C>T, p.Ala687Val (NM_001382784.1, NM_001382786.1); c.2045C>T, p.Ala682Val (NM_001382785.1); c.2018C>T, p.Ala673Val (NM_001382787.1); c.1973C>T, p.Ala658Val (NM_001382788.1); c.1964C>T, p.Ala655Val (NM_001382789.1); and 7 more; short protein forms A633V, A562V, A588V, A648V, A658V, A673V, A682V, A372V.
Identifiers: ClinVar variation 3024034 (VCV003024034.3), dbSNP rs2059350950, ClinGen allele CA399297882.

ClinVar aggregate classification (germline): Uncertain significance (1 of 4 stars; one submission).

Allele frequency attached by ClinVar (database versions not stated): gnomAD exomes below 0.00001.
gnomAD v4.1: 3 of 1,614,090 alleles (0.00019%); highest among the groups gnomAD compares: Middle Eastern, 0.017%; no homozygotes.

Submission:

Labcorp Genetics (formerly Invitae), Labcorp
Classification: Uncertain significance. Last evaluated: 2025-07-31. Review status: criteria provided, single submitter. Criteria: Invitae Variant Classification Sherloc (09022015). Collection method: clinical testing. Allele origin: germline.
Comment: This sequence change replaces alanine, which is neutral and non-polar, with valine, which is neutral and non-polar, at codon 648 of the ERBB2 protein (p.Ala648Val). This variant is not present in population databases (gnomAD no frequency). This variant has not been reported in the literature in individuals affected with ERBB2-related conditions. ClinVar contains an entry for this variant (Variation ID: 3024034). Invitae Evidence Modeling of protein sequence and biophysical properties (such as structural, functional, and spatial information, amino acid conservation, physicochemical variation, residue mobility, and thermodynamic stability) indicates that this missense variant is not expected to disrupt ERBB2 protein function with a negative predictive value of 80%. In summary, the available evidence is currently insufficient to determine the role of this variant in disease. Therefore, it has been classified as a Variant of Uncertain Significance.